The following is an entry in ClinVar:

ClinVar aggregate classification (germline): Likely pathogenic (1 of 4 stars; one submission).

Conditions:
Osteogenesis imperfecta type I (OI1). Also called: Lobstein disease; OI, TYPE I; OSTEOGENESIS IMPERFECTA TARDA; OSTEOGENESIS IMPERFECTA WITH BLUE SCLERAE; Osteogenesis imperfecta type 1; Lobstein's Disease. Identifiers: Orphanet 216796, Orphanet 666, MedGen C0023931, MONDO:0008146, OMIM 166200. Disease mechanism: loss of function.
Ehlers-Danlos syndrome, classic type, 1 (EDSCL1). Also called: EDS I; EHLERS-DANLOS SYNDROME, GRAVIS TYPE; EHLERS-DANLOS SYNDROME, SEVERE CLASSIC TYPE; Ehlers-Danlos syndrome, type 1; Ehlers-Danlos Syndrome, Classic Type, COL5A1-Related. Identifiers: MedGen C0268335, MONDO:0019567, OMIM 130000.

Submission:

Labcorp Genetics (formerly Invitae), Labcorp
Classification: Likely pathogenic for Osteogenesis imperfecta type I; Ehlers-Danlos syndrome, classic type, 1. Last evaluated: 2023-06-21. Review status: criteria provided, single submitter. Criteria: Invitae Variant Classification Sherloc (09022015). Collection method: clinical testing. Allele origin: germline.
Comment: This variant is not present in population databases (gnomAD no frequency). This sequence change replaces glycine, which is neutral and non-polar, with cysteine, which is neutral and slightly polar, at codon 988 of the COL1A2 protein (p.Gly988Cys). This variant has not been reported in the literature in individuals affected with COL1A2-related conditions. Advanced modeling of protein sequence and biophysical properties (such as structural, functional, and spatial information, amino acid conservation, physicochemical variation, residue mobility, and thermodynamic stability) performed at Invitae indicates that this missense variant is expected to disrupt COL1A2 protein function. This variant disrupts the triple helix domain of COL1A2. Glycine residues within the Gly-Xaa-Yaa repeats of the triple helix domain are required for the structure and stability of fibrillar collagens (PMID: 7695699, 8218237, 19344236). In COL1A2, variants affecting these glycine residues are significantly enriched in individuals with disease (PMID: 9016532, 17078022) compared to the general population (ExAC). In summary, the currently available evidence indicates that the variant is pathogenic, but additional data are needed to prove that conclusively. Therefore, this variant has been classified as Likely Pathogenic.

Literature cited by the submitters: PubMed 7695699; PubMed 8218237; PubMed 19344236; PubMed 9016532; PubMed 17078022.

NM_000089.4(COL1A2):c.2962G>T (p.Gly988Cys)

Gene: COL1A2 (collagen type I alpha 2 chain; plus strand). Cytogenetic location: 7q21.3.
Variant type: single nucleotide variant.
Coding change: c.2962G>T on transcript NM_000089.4 (MANE Select); coding-DNA position 2962, G replaced by T.
Protein change: p.Gly988Cys; replaces glycine 988 with cysteine.
Molecular consequence: missense variant.
Genome position (GRCh38, 1-based): chr7:94,426,016, G>T. VCF-style: chr7-94426016-G-T. GRCh37 (hg19) VCF-style: chr7-94055328-G-T.
Other names: short protein forms G988C.
Identifiers: ClinVar variation 2945394 (VCV002945394.3), dbSNP rs2484735314, ClinGen allele CA368224981.